The following is an entry in ClinVar:

NM_000038.6(APC):c.2309C>A (p.Ser770Ter)

Gene: APC (APC regulator of Wnt signaling pathway; plus strand). Cytogenetic location: 5q22.2.
Variant type: single nucleotide variant.
Coding change: c.2309C>A on transcript NM_000038.6 (MANE Select); coding-DNA position 2309, C replaced by A.
Protein change: p.Ser770Ter; replaces serine 770 with a stop codon.
Molecular consequence: nonsense. On other transcripts: non-coding transcript variant (2).
Genome position (GRCh38, 1-based): chr5:112,837,903, C>A. VCF-style: chr5-112837903-C-A. GRCh37 (hg19) VCF-style: chr5-112173600-C-A.
Other names: c.2339C>A, p.Ser780Ter (NM_001354897.2); c.2309C>A, p.Ser770Ter (NM_001354895.2, NM_001127510.3, NM_001407450.1); c.2255C>A, p.Ser752Ter (NM_001127511.3); c.2363C>A, p.Ser788Ter (NM_001354896.2, NM_001407447.1, NM_001407448.1 and 1 more transcripts); c.2060C>A, p.Ser687Ter (NM_001407454.1, NM_001407455.1, NM_001407456.1 and 1 more transcripts); c.2006C>A, p.Ser669Ter (NM_001407458.1, NM_001407459.1, NM_001407460.1 and 1 more transcripts); c.1922C>A, p.Ser641Ter (NM_001407467.1, NM_001407469.1); c.1460C>A, p.Ser487Ter (NM_001407470.1, NM_001354906.2); and 11 more; short protein forms S386*, S487*, S610*, S641*, S644*, S669*, S679*, S687*.
Identifiers: ClinVar variation 2584243 (VCV002584243.2), dbSNP rs1060503310, ClinGen allele CA16026393.

ClinVar aggregate classification (germline): Pathogenic (1 of 4 stars; one submission).

Conditions:
Familial adenomatous polyposis 1 (FAP1). Also called: FAMILIAL ADENOMATOUS POLYPOSIS 1, ATTENUATED; POLYPOSIS, ADENOMATOUS INTESTINAL. Identifiers: MedGen C2713442, MONDO:0021056, OMIM 175100. Disease mechanism: loss of function.

Submission:

Myriad Genetics, Inc.
Classification: Pathogenic for Familial adenomatous polyposis 1. Last evaluated: 2023-05-04. Review status: criteria provided, single submitter. Criteria: Myriad Autosomal Dominant, Autosomal Recessive and X-Linked Classification Criteria (2023). Collection method: clinical testing. Allele origin: unknown.
Comment: This variant is considered pathogenic. This variant creates a termination codon and is predicted to result in premature protein truncation.